The following is an entry in ClinVar:

ClinVar aggregate classification (germline): Likely pathogenic (1 of 4 stars; one submission).

Conditions:
Ectodermal dysplasia 10A, hypohidrotic/hair/nail type, autosomal dominant (ECTD10A). Also called: Ectodermal Dysplasia 3, Anhidrotic. Identifiers: Orphanet 1810, Orphanet 238468, MedGen C3888065, MONDO:0007509, OMIM 129490.
Autosomal recessive hypohidrotic ectodermal dysplasia syndrome. Also called: Autosomal recessive hypohidrotic ectodermal dysplasia. Identifiers: Orphanet 248, MedGen C0406702, MONDO:0016619.

gnomAD v4.1: 1 of 1,614,190 alleles (0.000062%); highest among the groups gnomAD compares: Non-Finnish European, 0.000085%; no homozygotes.

Submission:

Labcorp Genetics (formerly Invitae), Labcorp
Classification: Likely pathogenic for Ectodermal dysplasia 10A, hypohidrotic/hair/nail type, autosomal dominant; Autosomal recessive hypohidrotic ectodermal dysplasia syndrome. Last evaluated: 2025-04-20. Review status: criteria provided, single submitter. Criteria: Invitae Variant Classification Sherloc (09022015). Collection method: clinical testing. Allele origin: germline.
Comment: This sequence change replaces glycine, which is neutral and non-polar, with aspartic acid, which is acidic and polar, at codon 394 of the EDAR protein (p.Gly394Asp). This variant is not present in population databases (gnomAD no frequency). This missense change has been observed in individual(s) with autosomal dominant ectodermal dysplasia (internal data). It has also been observed to segregate with disease in related individuals. ClinVar contains an entry for this variant (Variation ID: 3757641). Invitae Evidence Modeling of protein sequence and biophysical properties (such as structural, functional, and spatial information, amino acid conservation, physicochemical variation, residue mobility, and thermodynamic stability) indicates that this missense variant is expected to disrupt EDAR protein function with a positive predictive value of 80%. In summary, the currently available evidence indicates that the variant is pathogenic, but additional data are needed to prove that conclusively. Therefore, this variant has been classified as Likely Pathogenic.

NM_022336.4(EDAR):c.1181G>A (p.Gly394Asp)

Genes: EDAR (ectodysplasin A receptor; minus strand), RANBP2 (RAN binding protein 2; plus strand). Cytogenetic location: 2q13.
Variant type: single nucleotide variant.
Coding change: c.1181G>A on transcript NM_022336.4 (MANE Select); coding-DNA position 1181, G replaced by A.
Protein change: p.Gly394Asp; replaces glycine 394 with aspartic acid.
Molecular consequence: missense variant.
Genome position (GRCh38, 1-based): chr2:108,897,073, C>T on the plus strand (G>A on the coding strand, the complement: EDAR is on the minus strand). VCF-style: chr2-108897073-C-T. GRCh37 (hg19) VCF-style: chr2-109513529-C-T.
Other names: short protein forms G394D.
Identifiers: ClinVar variation 3757641 (VCV003757641.2).